The following is an entry in ClinVar:

ClinVar aggregate classification (germline): Likely benign. Review status: criteria provided, multiple submitters, no conflicts (2 of 4 stars). 3 submissions from 3 submitters: Likely benign (3). Last evaluated 2025-04-17.

Conditions:
Inborn genetic diseases. Identifiers: MedGen C0950123, MeSH D030342.
Fanconi anemia (FA). Also called: Fanconi's anemia. Identifiers: Orphanet 84, MedGen C0015625, MeSH D005199, MONDO:0019391.

Allele frequency attached by ClinVar (database versions not stated): gnomAD exomes below 0.00001; gnomAD 0.00001; TOPMed 0.00001.
gnomAD v4.1: 5 of 1,614,046 alleles (0.00031%); highest among the groups gnomAD compares: Non-Finnish European, 0.00042%; no homozygotes.

Submissions (3):

Ambry Genetics
Classification: Likely benign for Inborn genetic diseases. Last evaluated: 2025-04-17. Review status: criteria provided, single submitter. Criteria: Ambry Variant Classification Scheme 2023. Collection method: clinical testing. Allele origin: germline.

Labcorp Genetics (formerly Invitae), Labcorp
Classification: Likely benign for Fanconi anemia. Last evaluated: 2023-12-09. Review status: criteria provided, single submitter. Criteria: Invitae Variant Classification Sherloc (09022015). Collection method: clinical testing. Allele origin: germline.

CeGaT Center for Human Genetics Tuebingen
Classification: Likely benign. Last evaluated: 2022-10-01. Review status: criteria provided, single submitter. Criteria: CeGaT Center For Human Genetics Tuebingen Variant Classification Criteria Version 2. Collection method: clinical testing. Allele origin: germline. Affected: yes. Observed: 1 variant allele.
Comment: FANCA: BP4, BP7

NM_000135.4(FANCA):c.3450G>A (p.Leu1150=)

Gene: FANCA (FA complementation group A; minus strand). Cytogenetic location: 16q24.3.
Variant type: single nucleotide variant.
Coding change: c.3450G>A on transcript NM_000135.4 (MANE Select); coding-DNA position 3450, G replaced by A.
Protein change: p.Leu1150=; no amino-acid change (leucine 1150 retained).
Molecular consequence: synonymous variant.
Genome position (GRCh38, 1-based): chr16:89,746,647, C>T on the plus strand (G>A on the coding strand, the complement: FANCA is on the minus strand). VCF-style: chr16-89746647-C-T. GRCh37 (hg19) VCF-style: chr16-89813055-C-T.
Other names: c.3450G>A (LRG_495t1); c.3450G>A, p.Leu1150= (NM_001286167.3).
Identifiers: ClinVar variation 526465 (VCV000526465.34), dbSNP rs1266179547, ClinGen allele CA497195404.
Genomic context (GRCh38, chr16:89,746,647, plus strand): 5'-AGCAGAGGTCAAAATTAAGGGGCATTTCGTCTGGCACTTGGCCAGTATGAAGTCGACCAT[C>T]AGGGAGGGGTCTCTGCTCCGCAGACAGGCGTTCAGGAGGCCCTGCAGGAGAGAACGCAGC-3'
Protein context (NP_000126.2, residues 1140-1160): NACLRSRDPS[Leu1150=]MVDFILAKCQ